The following is an entry in ClinVar:

ClinVar aggregate classification (germline): Pathogenic (1 of 4 stars; one submission).

Conditions:
Early-infantile DEE. Also called: Early infantile epileptic encephalopathy; Ohtahara syndrome; Early infantile epileptic encephalopathy with suppression bursts. Identifiers: Orphanet 1934, MedGen C0393706, MONDO:0800491.

Submission:

Labcorp Genetics (formerly Invitae), Labcorp
Classification: Pathogenic for Early-infantile DEE. Last evaluated: 2021-07-08. Review status: criteria provided, single submitter. Criteria: Invitae Variant Classification Sherloc (09022015). Collection method: clinical testing. Allele origin: germline.
Comment: This sequence change falls in intron 23 of the SCN1A gene. It does not directly change the encoded amino acid sequence of the SCN1A protein. It affects a nucleotide within the consensus splice site of the intron. This variant is not present in population databases (ExAC no frequency). This variant has been observed in individual(s) with SCN1A-related conditions (PMID: 28012175, Invitae). In at least one individual the variant was observed to be de novo. Nucleotide substitutions within the consensus splice site are a relatively common cause of aberrant splicing (PMID: 17576681, 9536098). Experimental studies and prediction algorithms are not available or were not evaluated, and the effect of this variant on mRNA splicing is currently unknown. For these reasons, this variant has been classified as Pathogenic.

Literature cited by the submitters: PubMed 28012175; PubMed 17576681; PubMed 9536098.

NM_001165963.4(SCN1A):c.4476+5G>A

Genes: SCN1A (sodium voltage-gated channel alpha subunit 1; minus strand), LOC102724058 (uncharacterized LOC102724058; plus strand). Cytogenetic location: 2q24.3.
Variant type: single nucleotide variant.
Coding change: c.4476+5G>A on transcript NM_001165963.4 (MANE Select); 5 bases into the intron after coding-DNA position 4476, G replaced by A.
Molecular consequence: intron variant.
Genome position (GRCh38, 1-based): chr2:165,998,033, C>T on the plus strand (G>A on the coding strand, the complement: SCN1A is on the minus strand). VCF-style: chr2-165998033-C-T. GRCh37 (hg19) VCF-style: chr2-166854543-C-T.
Other names: c.4443+5G>A (NM_001353949.2, NM_001353950.2, NM_001353951.2 and 2 more transcripts); c.4392+5G>A (NM_001353958.2, NM_001353957.2, NM_001165964.3); c.4476+5G>A (NM_001202435.3, NM_001353948.2); c.4440+5G>A (NM_001353955.2, NM_001353954.2); c.4389+5G>A (NM_001353960.2); c.2034+5G>A (NM_001353961.2).
Identifiers: ClinVar variation 1455809 (VCV001455809.7), dbSNP rs1553522266, ClinGen allele CA2573133033.